The following is an entry in ClinVar:

NM_013275.6(ANKRD11):c.1623G>A (p.Gln541=)

Gene: ANKRD11 (ankyrin repeat domain 11; minus strand). Cytogenetic location: 16q24.3.
Variant type: single nucleotide variant.
Coding change: c.1623G>A on transcript NM_013275.6 (MANE Select); coding-DNA position 1623, G replaced by A.
Protein change: p.Gln541=; no amino-acid change (glutamine 541 retained).
Molecular consequence: synonymous variant.
Genome position (GRCh38, 1-based): chr16:89,284,919, C>T on the plus strand (G>A on the coding strand, the complement: ANKRD11 is on the minus strand). VCF-style: chr16-89284919-C-T. GRCh37 (hg19) VCF-style: chr16-89351327-C-T.
Other names: c.1623G>A, p.Gln541= (NM_001256182.2, NM_001256183.2).
Identifiers: ClinVar variation 3905940 (VCV003905940.10).

ClinVar aggregate classification (germline): Likely benign (1 of 4 stars; one submission).

gnomAD v4.1: 7 of 1,614,058 alleles (0.00043%); highest among the groups gnomAD compares: African/African-American, 0.0013%; no homozygotes.

Submission:

CeGaT Center for Human Genetics Tuebingen
Classification: Likely benign. Last evaluated: 2025-05-01. Review status: criteria provided, single submitter. Criteria: CeGaT Center For Human Genetics Tuebingen Variant Classification Criteria Version 2. Collection method: clinical testing. Allele origin: germline. Affected: yes. Observed: 1 variant allele.
Comment: ANKRD11: BP4, BP7